The following is an entry in ClinVar:

NM_032444.4(SLX4):c.4948G>A (p.Gly1650Arg)

Gene: SLX4 (SLX4 structure-specific endonuclease subunit; minus strand). Cytogenetic location: 16p13.3.
Variant type: single nucleotide variant.
Coding change: c.4948G>A on transcript NM_032444.4 (MANE Select); coding-DNA position 4948, G replaced by A.
Protein change: p.Gly1650Arg; replaces glycine 1650 with arginine.
Molecular consequence: missense variant.
Genome position (GRCh38, 1-based): chr16:3,583,302, C>T on the plus strand (G>A on the coding strand, the complement: SLX4 is on the minus strand). VCF-style: chr16-3583302-C-T. GRCh37 (hg19) VCF-style: chr16-3633303-C-T.
Other names: short protein forms G1650R.
Identifiers: ClinVar variation 1399592 (VCV001399592.4), dbSNP rs770344772, ClinGen allele CA276952685.

ClinVar aggregate classification (germline): Uncertain significance (1 of 4 stars; one submission).

Conditions:
Fanconi anemia (FA). Also called: Fanconi's anemia. Identifiers: Orphanet 84, MedGen C0015625, MeSH D005199, MONDO:0019391.

Allele frequency attached by ClinVar (database versions not stated): gnomAD exomes below 0.00001.
gnomAD v4.1: 1 of 1,614,168 alleles (0.000062%); highest among the groups gnomAD compares: Non-Finnish European, 0.000085%; no homozygotes.

Submission:

Labcorp Genetics (formerly Invitae), Labcorp
Classification: Uncertain significance for Fanconi anemia. Last evaluated: 2021-10-08. Review status: criteria provided, single submitter. Criteria: Invitae Variant Classification Sherloc (09022015). Collection method: clinical testing. Allele origin: germline.
Comment: In summary, the available evidence is currently insufficient to determine the role of this variant in disease. Therefore, it has been classified as a Variant of Uncertain Significance. Algorithms developed to predict the effect of missense changes on protein structure and function output the following: SIFT: "Tolerated"; PolyPhen-2: "Benign"; Align-GVGD: "Class C0". The arginine amino acid residue is found in multiple mammalian species, which suggests that this missense change does not adversely affect protein function. This variant has not been reported in the literature in individuals affected with SLX4-related conditions. This variant is not present in population databases (ExAC no frequency). This sequence change replaces glycine with arginine at codon 1650 of the SLX4 protein (p.Gly1650Arg). The glycine residue is moderately conserved and there is a moderate physicochemical difference between glycine and arginine.